The following is an entry in ClinVar:

NM_014780.5(CUL7):c.2242C>T (p.Gln748Ter)

Gene: CUL7 (cullin 7; minus strand). Cytogenetic location: 6p21.1.
Variant type: single nucleotide variant.
Coding change: c.2242C>T on transcript NM_014780.5 (MANE Select); coding-DNA position 2242, C replaced by T.
Protein change: p.Gln748Ter; replaces glutamine 748 with a stop codon.
Molecular consequence: nonsense.
Genome position (GRCh38, 1-based): chr6:43,047,035, G>A on the plus strand (C>T on the coding strand, the complement: CUL7 is on the minus strand). VCF-style: chr6-43047035-G-A. GRCh37 (hg19) VCF-style: chr6-43014773-G-A.
Other names: c.2338C>T, p.Gln780Ter (NM_001168370.2, NM_001374872.1); c.2242C>T, p.Gln748Ter (NM_001374873.1, NM_001374874.1); short protein forms Q748*, Q780*.
Identifiers: ClinVar variation 4747498 (VCV004747498.1).

ClinVar aggregate classification (germline): Pathogenic (1 of 4 stars; one submission).

gnomAD v4.1: 2 of 1,613,444 alleles (0.00012%); highest among the groups gnomAD compares: Non-Finnish European, 0.00017%; no homozygotes.

Submission:

Labcorp Genetics (formerly Invitae), Labcorp
Classification: Pathogenic. Last evaluated: 2025-10-07. Review status: criteria provided, single submitter. Criteria: Invitae Variant Classification Sherloc (09022015). Collection method: clinical testing. Allele origin: germline.
Comment: This sequence change creates a premature translational stop signal (p.Gln748*) in the CUL7 gene. It is expected to result in an absent or disrupted protein product. Loss-of-function variants in CUL7 are known to be pathogenic (PMID: 16142236, 17675530, 19225462). This variant is not present in population databases (gnomAD no frequency). This premature translational stop signal has been observed in individual(s) with 3-M syndrome (PMID: 19225462). For these reasons, this variant has been classified as Pathogenic.

Literature cited by the submitters: PubMed 16142236; PubMed 17675530; PubMed 19225462.